The following is an entry in ClinVar:

NM_181507.2(HPS5):c.3155G>A (p.Ser1052Asn)

Gene: HPS5 (HPS5 biogenesis of lysosomal organelles complex 2 subunit 2; minus strand). Cytogenetic location: 11p15.1.
Variant type: single nucleotide variant.
Coding change: c.3155G>A on transcript NM_181507.2 (MANE Select); coding-DNA position 3155, G replaced by A.
Protein change: p.Ser1052Asn; replaces serine 1052 with asparagine.
Molecular consequence: missense variant.
Genome position (GRCh38, 1-based): chr11:18,282,124, C>T on the plus strand (G>A on the coding strand, the complement: HPS5 is on the minus strand). VCF-style: chr11-18282124-C-T. GRCh37 (hg19) VCF-style: chr11-18303671-C-T.
Other names: c.2813G>A, p.Ser938Asn (NM_007216.4, NM_181508.2); short protein forms S1052N, S938N.
Identifiers: ClinVar variation 3347410 (VCV003347410.1).

ClinVar aggregate classification (germline): Uncertain significance (0 of 4 stars; one submission).

Conditions:
HPS5-related disorder. Also called: HPS5-related condition.

Submission:

PreventionGenetics, part of Exact Sciences
Classification: Uncertain significance for HPS5-related condition. Last evaluated: 2024-03-27. Review status: no assertion criteria provided. Collection method: clinical testing. Allele origin: germline.
Comment: The HPS5 c.3155G>A variant is predicted to result in the amino acid substitution p.Ser1052Asn. To our knowledge, this variant has not been reported in the literature or in a large population database, indicating this variant is rare. At this time, the clinical significance of this variant is uncertain due to the absence of conclusive functional and genetic evidence.